The following is an entry in ClinVar:

ClinVar aggregate classification (germline): Uncertain significance (1 of 4 stars; one submission).

Conditions:
Ataxia-telangiectasia syndrome (AT). Also called: Ataxia-telangiectasia, complementation group D; AT, COMPLEMENTATION GROUP C; ATAXIA-TELANGIECTASIA, COMPLEMENTATION GROUP A; ATAXIA-TELANGIECTASIA, FRESNO VARIANT; Ataxia-telangiectasia; Cerebello-oculocutaneous telangiectasia. Identifiers: Orphanet 100, MedGen C0004135, MONDO:0008840, OMIM 208900.

Submission:

Labcorp Genetics (formerly Invitae), Labcorp
Classification: Uncertain significance for Ataxia-telangiectasia syndrome. Last evaluated: 2020-03-16. Review status: criteria provided, single submitter. Criteria: Invitae Variant Classification Sherloc (09022015). Collection method: clinical testing. Allele origin: germline.
Comment: Algorithms developed to predict the effect of missense changes on protein structure and function (SIFT, PolyPhen-2, Align-GVGD) all suggest that this variant is likely to be disruptive, but these predictions have not been confirmed by published functional studies and their clinical significance is uncertain. In summary, the available evidence is currently insufficient to determine the role of this variant in disease. Therefore, it has been classified as a Variant of Uncertain Significance. This variant has not been reported in the literature in individuals with ATM-related conditions. This sequence change replaces glutamic acid with aspartic acid at codon 1677 of the ATM protein (p.Glu1677Asp). The glutamic acid residue is highly conserved and there is a small physicochemical difference between glutamic acid and aspartic acid. This variant is not present in population databases (ExAC no frequency).

NM_000051.4(ATM):c.5031A>C (p.Glu1677Asp)

Gene: ATM (ATM serine/threonine kinase; plus strand). Cytogenetic location: 11q22.3.
Variant type: single nucleotide variant.
Coding change: c.5031A>C on transcript NM_000051.4 (MANE Select); coding-DNA position 5031, A replaced by C.
Protein change: p.Glu1677Asp; replaces glutamic acid 1677 with aspartic acid.
Molecular consequence: missense variant.
Genome position (GRCh38, 1-based): chr11:108,299,739, A>C. VCF-style: chr11-108299739-A-C. GRCh37 (hg19) VCF-style: chr11-108170466-A-C.
Other names: c.5031A>C, p.Glu1677Asp (NM_001351834.2); short protein forms E1677D.
Identifiers: ClinVar variation 1007092 (VCV001007092.8), dbSNP rs2083320477, ClinGen allele CA382540272.